The following is an entry in ClinVar:

NM_170707.4(LMNA):c.639+1G>A

Gene: LMNA (lamin A/C; plus strand). Cytogenetic location: 1q22.
Variant type: single nucleotide variant.
Coding change: c.639+1G>A on transcript NM_170707.4 (MANE Select); the canonical splice donor site of the intron after coding-DNA position 639, G replaced by A.
Molecular consequence: splice donor variant.
Genome position (GRCh38, 1-based): chr1:156,134,529, G>A. VCF-style: chr1-156134529-G-A. GRCh37 (hg19) VCF-style: chr1-156104320-G-A.
Other names: c.639+1G>A (NM_001406983.1, NM_001282625.2, NM_001406984.1 and 6 more transcripts); c.81+1G>A (NM_001407002.1, NM_001406993.1, NM_001407003.1 and 4 more transcripts); c.-26+1G>A (NM_001406999.1, NM_001407000.1, NM_001406994.1 and 1 more transcripts); c.396+1G>A (NM_001406986.1, NM_001406987.1, NM_001282624.2); c.303+1G>A (NM_001406989.1, NM_001257374.3, NM_001406998.1); c.342+1G>A (NM_001406988.1).
Identifiers: ClinVar variation 633290 (VCV000633290.12), dbSNP rs869125101, ClinGen allele CA342817103.

ClinVar aggregate classification (germline): Likely pathogenic. Review status: criteria provided, multiple submitters, no conflicts (2 of 4 stars). 3 submissions from 3 submitters: Likely pathogenic (3). Last evaluated 2025-10-24.

Conditions:
Cardiomyopathy (CMYO). Also called: Cardiomyopathies. Identifiers: Orphanet 167848, MedGen C0878544, MONDO:0004994, HP:0001638. Inheritance: Various modes of inheritance.
Charcot-Marie-Tooth disease type 2. Also called: Charcot-Marie-Tooth type 2. Identifiers: Orphanet 64746, MedGen C0270914, MONDO:0018993.

Submissions (3):

Labcorp Genetics (formerly Invitae), Labcorp
Classification: Likely pathogenic for Charcot-Marie-Tooth disease type 2. Last evaluated: 2025-10-24. Review status: criteria provided, single submitter. Criteria: Invitae Variant Classification Sherloc (09022015). Collection method: clinical testing. Allele origin: germline.
Comment: This sequence change affects a donor splice site in intron 3 of the LMNA gene. It is expected to disrupt RNA splicing. Variants that disrupt the donor or acceptor splice site typically lead to a loss of protein function (PMID: 16199547), and loss-of-function variants in LMNA are known to be pathogenic (PMID: 18585512, 18926329). This variant is not present in population databases (gnomAD no frequency). Disruption of this splice site has been observed in individual(s) with clinical features of LMNA-related conditions (PMID: 23183350, 36136372). ClinVar contains an entry for this variant (Variation ID: 633290). Algorithms developed to predict the effect of sequence changes on RNA splicing suggest that this variant may disrupt the consensus splice site. In summary, the currently available evidence indicates that the variant is pathogenic, but additional data are needed to prove that conclusively. Therefore, this variant has been classified as Likely Pathogenic.

GeneDx
Classification: Likely pathogenic. Last evaluated: 2025-03-07. Review status: criteria provided, single submitter. Criteria: GeneDx Variant Classification Process June 2021. Collection method: clinical testing. Allele origin: germline. Affected: yes.
Comment: Canonical splice site variant predicted to result in an in-frame loss of the adjacent exon in a gene for which loss of function is a known mechanism of disease; Not observed at significant frequency in large population cohorts (gnomAD); Reported in an individual with DCM who also has a variant in the GPD1L gene (Nafissi et al., 2022); Reported in association with laminopathy, although specific clinical details for patients harboring this variant were not provided (van Rijsingen et al., 2013); This variant is associated with the following publications: (PMID: 36136372, 23183350)

Women's Health and Genetics/Laboratory Corporation of America, LabCorp
Classification: Likely pathogenic for Cardiomyopathy. Last evaluated: 2018-10-22. Review status: criteria provided, single submitter. Criteria: LabCorp Variant Classification Summary - May 2015. Collection method: clinical testing. Allele origin: germline.
Comment: Variant summary: LMNA c.639+1G>A is located in a canonical splice-site and is predicted to affect mRNA splicing resulting in a significantly altered protein due to either exon skipping, shortening, or inclusion of intronic material. Several computational tools predict a significant impact on normal splicing: Four predict the variant abolishes a 5 prime splicing donor site. However, these predictions have yet to be confirmed by functional studies. The variant was absent in 246170 control chromosomes. c.639+1G>A has been reported in the literature in at-least one individual with cadiac involvement. Additionally, at-least three relatives of this proband tested positive for this variant although their affected status could not be inferred as presented in the study. The LOVD database reports this variant in a 4 generation family with the phenotype of LGMD-1b:DCM stating muscle weakness, severe cardiomyopathy (some affecteds). However, this information is not published in the peer-reviewed literature and we cannot conclude whether it is the same family reported in the literature. Therefore the LOVD evidence has not been captured in the context of this classification. To our knowledge, no experimental evidence demonstrating an impact on protein function has been reported. No clinical diagnostic laboratories have submitted clinical-significance assessments for this variant to ClinVar after 2014, however, other splice site variants have been reported as pathogenic in ClinVar (e.g. c.356+1G>C, c.513+1G>A). Based on the evidence outlined above, the variant was classified as likely pathogenic.

Literature cited by the submitters: PubMed 16199547 (cited by Labcorp Genetics (formerly Invitae), Labcorp); PubMed 18585512 (cited by Labcorp Genetics (formerly Invitae), Labcorp); PubMed 18926329 (cited by Labcorp Genetics (formerly Invitae), Labcorp); PubMed 23183350 (cited by Labcorp Genetics (formerly Invitae), Labcorp and Women's Health and Genetics/Laboratory Corporation of America, LabCorp); PubMed 36136372 (cited by Labcorp Genetics (formerly Invitae), Labcorp).